The following is an entry in ClinVar:

ClinVar aggregate classification (germline): Uncertain significance (1 of 4 stars; one submission).

Allele frequency attached by ClinVar (database versions not stated): gnomAD exomes below 0.00001.
gnomAD v4.1: 5 of 1,613,790 alleles (0.00031%); highest among the groups gnomAD compares: African/African-American, 0.0013%; no homozygotes.

Submission:

Laboratory for Molecular Medicine, Mass General Brigham Personalized Medicine
Classification: Uncertain significance. Last evaluated: 2014-07-21. Review status: criteria provided, single submitter. Criteria: LMM Criteria. Collection method: clinical testing. Allele origin: germline. Observed: 1 variant allele.
Comment: The Thr29652Ile variant in TTN has not been previously reported in individuals w ith cardiomyopathy and was absent from large population studies. Threonine (Thr) at position 29652 is not conserved in mammals or evolutionarily distant species and 3 fish species carry an isoleucine (Ile) at this position, raising the poss ibility that a change at this position may be tolerated. In summary, the clinica l significance of the Thr296582Ile variant is uncertain.

NM_001267550.2(TTN):c.96659C>T (p.Thr32220Ile)

Genes: TTN (titin; minus strand), TTN-AS1 (TTN antisense RNA 1; plus strand), LOC126806421 (CDK7 strongly-dependent group 2 enhancer GRCh37_chr2:179407630-179408829; plus strand). Cytogenetic location: 2q31.2.
Variant type: single nucleotide variant.
Coding change: c.96659C>T on transcript NM_001267550.2 (MANE Select); coding-DNA position 96659, C replaced by T.
Protein change: p.Thr32220Ile; replaces threonine 32220 with isoleucine.
Molecular consequence: missense variant.
Genome position (GRCh38, 1-based): chr2:178,543,314, G>A on the plus strand (C>T on the coding strand, the complement: TTN is on the minus strand). VCF-style: chr2-178543314-G-A. GRCh37 (hg19) VCF-style: chr2-179408041-G-A.
Other names: c.88955C>T, p.Thr29652Ile (NM_133378.4); c.91736C>T, p.Thr30579Ile (NM_001256850.1); c.69464C>T, p.Thr23155Ile (NM_003319.4); c.69839C>T, p.Thr23280Ile (NM_133432.3); c.70040C>T, p.Thr23347Ile (NM_133437.4); short protein forms T29652I, T32220I, T30579I, T23347I, T23155I, T23280I.
Identifiers: ClinVar variation 179896 (VCV000179896.5), dbSNP rs727505204, ClinGen allele CA185373.
Genomic context (GRCh38, chr2:178,543,314, plus strand): 5'-TCGAGAACATATCCAGTGAGTCGGCTACCACCATCGTAGAGTGGTTTTTCCCAGGCAAGG[G>A]TAACAGTGGATTTGGTGACATCGACCACTTCTAGCTTTGCAGGCACCAAAGGCACTTCTG-3'
Protein context (NP_001254479.2, residues 32210-32230): EVVDVTKSTV[Thr32220Ile]LAWEKPLYDG